The following is an entry in ClinVar:

ClinVar aggregate classification (germline): Likely benign. Review status: criteria provided, multiple submitters, no conflicts (2 of 4 stars). 7 submissions from 7 submitters: Likely benign (5). 2 of the submissions do not count toward it. Last evaluated 2026-09-01.

Conditions:
KMT2C-related disorder. Also called: KMT2C-related condition; KMT2C-related disorders.
Inborn genetic diseases. Identifiers: MedGen C0950123, MeSH D030342.

Allele frequency attached by ClinVar (database versions not stated): ESP Exome Variant Server 0.00008; gnomAD exomes 0.00008 and 0.00020; gnomAD 0.00011 and 0.00014; TOPMed 0.00013; ExAC 0.00018.
gnomAD v4.1: 153 of 1,594,732 alleles (0.0096%); highest among the groups gnomAD compares: Middle Eastern, 0.17%; no homozygotes.

Submissions (7):

CeGaT Center for Human Genetics Tuebingen
Classification: Likely benign. Last evaluated: 2026-09-01. Review status: criteria provided, single submitter. Criteria: CeGaT Center For Human Genetics Tuebingen Variant Classification Criteria Version 2. Collection method: clinical testing. Allele origin: germline. Affected: yes. Observed: 1 variant allele.
Comment: KMT2C: BP4, BS2

Blueprint Genetics
Classification: Likely benign. Last evaluated: 2024-11-11. Review status: criteria provided, single submitter. Criteria: ACMG Guidelines, 2015. Collection method: clinical testing. Allele origin: germline.

Labcorp Genetics (formerly Invitae), Labcorp
Classification: Likely benign. Last evaluated: 2024-05-29. Review status: criteria provided, single submitter. Criteria: Invitae Variant Classification Sherloc (09022015). Collection method: clinical testing. Allele origin: germline.

Ambry Genetics
Classification: Likely benign for Inborn genetic diseases. Last evaluated: 2021-11-29. Review status: criteria provided, single submitter. Criteria: Ambry Variant Classification Scheme 2023. Collection method: clinical testing. Allele origin: germline.

Breakthrough Genomics
Classification: Likely benign. Review status: criteria provided, single submitter. Criteria: ACMG Guidelines, 2015. Collection method: not provided. Allele origin: germline. Inheritance: Autosomal dominant inheritance. Affected: yes.

PreventionGenetics, part of Exact Sciences
Classification: Likely benign for KMT2C-related condition. Last evaluated: 2022-09-08. Review status: no assertion criteria provided. Collection method: clinical testing. Allele origin: germline. Not counted in ClinVar's aggregate classification.
Comment: This variant is classified as likely benign based on ACMG/AMP sequence variant interpretation guidelines (Richards et al. 2015 PMID: 25741868, with internal and published modifications).

ITMI
No classification provided. Condition: AllHighlyPenetrant. Last evaluated: 2013-09-19. Review status: no classification provided. Collection method: reference population. Allele origin: germline. Not counted in ClinVar's aggregate classification.
Comment: Please see associated publication for description of ethnicities

Literature cited by the submitters: PubMed 24728327 (cited by ITMI).

NM_170606.3(KMT2C):c.4154A>G (p.Asn1385Ser)

Gene: KMT2C (lysine methyltransferase 2C; minus strand). Cytogenetic location: 7q36.1.
Variant type: single nucleotide variant.
Coding change: c.4154A>G on transcript NM_170606.3 (MANE Select); coding-DNA position 4154, A replaced by G.
Protein change: p.Asn1385Ser; replaces asparagine 1385 with serine.
Molecular consequence: missense variant.
Genome position (GRCh38, 1-based): chr7:152,199,398, T>C on the plus strand (A>G on the coding strand, the complement: KMT2C is on the minus strand). VCF-style: chr7-152199398-T-C. GRCh37 (hg19) VCF-style: chr7-151896483-T-C.
Other names: c.4154A>G (NM_170606.2); short protein forms N1385S.
Identifiers: ClinVar variation 134748 (VCV000134748.14), dbSNP rs61730535, ClinGen allele CA160667.
Genomic context (GRCh38, chr7:152,199,398, plus strand): 5'-TCCAAGAAACCTGTGTTCATGTTTGTTTTATATAAAAGCTGAGCTCCATCTTCTGACAGA[T>C]TATCTAAACTTATCTTGCTTTGTCTACTTGTATCTAGAAGATCTTTTCCAAAGAAAGCTT-3'
Protein context (NP_733751.2, residues 1375-1395): TSRQSKISLD[Asn1385Ser]LSEDGAQLLY